The following is an entry in ClinVar:

ClinVar aggregate classification (germline): Pathogenic. Review status: criteria provided, multiple submitters, no conflicts (2 of 4 stars). 2 submissions from 2 submitters: Pathogenic (2). Last evaluated 2025-05-06.

Conditions:
Progressive sclerosing poliodystrophy (MTDPS4A). Also called: Alpers-Huttenlocher Syndrome (AHS); ALPERS PROGRESSIVE INFANTILE POLIODYSTROPHY; NEURONAL DEGENERATION OF CHILDHOOD WITH LIVER DISEASE, PROGRESSIVE; Alpers Syndrome; ALPERS DIFFUSE DEGENERATION OF CEREBRAL GRAY MATTER WITH HEPATIC CIRRHOSIS; Alpers-Huttenlocher Syndrome. Identifiers: Orphanet 726, MedGen C0205710, MONDO:0008758, OMIM 203700.
POLG-related disorder. Also called: POLG-related condition; POLG-Related Disorders; POLG-Related Spectrum Disorders. Identifiers: MedGen C4763519.

Submissions (2):

Department of Human Genetics, Hannover Medical School
Classification: Pathogenic for Progressive sclerosing poliodystrophy. Last evaluated: 2025-05-06. Review status: criteria provided, single submitter. Criteria: ACMG Guidelines, 2015. Collection method: clinical testing. Allele origin: germline. Inheritance: Autosomal recessive inheritance. Affected: yes.
Comment: ClinGen POLG: PVS1, PM2_Supporing, PM3_Supporting

Myriad Genetics, Inc.
Classification: Pathogenic for POLG-related disorder. Last evaluated: 2025-04-02. Review status: criteria provided, single submitter. Criteria: Myriad Autosomal Dominant, Autosomal Recessive and X-Linked Classification Criteria (2023). Collection method: clinical testing. Allele origin: unknown.
Comment: NM_002693.2(POLG):c.1180C>T(Q394*) is expected to be pathogenic in the context of POLG-related disorders. This variant is predicted to lead to an abnormal or absent protein product due to the creation of a premature termination codon in POLG, a gene where loss-of-function variants are known to be pathogenic. Please note: this variant was assessed in the context of healthy population screening.

NM_002693.3(POLG):c.1180C>T (p.Gln394Ter)

Gene: POLG (DNA polymerase gamma, catalytic subunit; minus strand). Cytogenetic location: 15q26.1.
Variant type: single nucleotide variant.
Coding change: c.1180C>T on transcript NM_002693.3 (MANE Select); coding-DNA position 1180, C replaced by T.
Protein change: p.Gln394Ter; replaces glutamine 394 with a stop codon.
Molecular consequence: nonsense.
Genome position (GRCh38, 1-based): chr15:89,328,526, G>A on the plus strand (C>T on the coding strand, the complement: POLG is on the minus strand). VCF-style: chr15-89328526-G-A. GRCh37 (hg19) VCF-style: chr15-89871757-G-A.
Other names: c.1180C>T, p.Gln394Ter (NM_001126131.2); short protein forms Q394*.
Identifiers: ClinVar variation 3896749 (VCV003896749.2).